The following is an entry in ClinVar:

NM_152703.5(SAMD9L):c.4151T>C (p.Ile1384Thr)

Gene: SAMD9L (sterile alpha motif domain containing 9 like; minus strand). Cytogenetic location: 7q21.2.
Variant type: single nucleotide variant.
Coding change: c.4151T>C on transcript NM_152703.5 (MANE Select); coding-DNA position 4151, T replaced by C.
Protein change: p.Ile1384Thr; replaces isoleucine 1384 with threonine.
Molecular consequence: missense variant.
Genome position (GRCh38, 1-based): chr7:93,131,821, A>G on the plus strand (T>C on the coding strand, the complement: SAMD9L is on the minus strand). VCF-style: chr7-93131821-A-G. GRCh37 (hg19) VCF-style: chr7-92761134-A-G.
Other names: c.4151T>C, p.Ile1384Thr (NM_001350084.2, NM_001350085.2, NM_001303496.3 and 5 more transcripts); short protein forms I1384T.
Identifiers: ClinVar variation 3653505 (VCV003653505.2).

ClinVar aggregate classification (germline): Uncertain significance (1 of 4 stars; one submission).

Submission:

Labcorp Genetics (formerly Invitae), Labcorp
Classification: Uncertain significance. Last evaluated: 2024-05-15. Review status: criteria provided, single submitter. Criteria: Invitae Variant Classification Sherloc (09022015). Collection method: clinical testing. Allele origin: germline.
Comment: This sequence change replaces isoleucine, which is neutral and non-polar, with threonine, which is neutral and polar, at codon 1384 of the SAMD9L protein (p.Ile1384Thr). This variant is not present in population databases (gnomAD no frequency). This variant has not been reported in the literature in individuals affected with SAMD9L-related conditions. Advanced modeling of protein sequence and biophysical properties (such as structural, functional, and spatial information, amino acid conservation, physicochemical variation, residue mobility, and thermodynamic stability) performed at Invitae indicates that this missense variant is expected to disrupt SAMD9L protein function with a positive predictive value of 80%. In summary, the available evidence is currently insufficient to determine the role of this variant in disease. Therefore, it has been classified as a Variant of Uncertain Significance.